The following is an entry in ClinVar:

NM_024642.5(GALNT12):c.557G>T (p.Arg186Leu)

Gene: GALNT12 (polypeptide N-acetylgalactosaminyltransferase 12; plus strand). Cytogenetic location: 9q22.33.
Variant type: single nucleotide variant.
Coding change: c.557G>T on transcript NM_024642.5 (MANE Select); coding-DNA position 557, G replaced by T.
Protein change: p.Arg186Leu; replaces arginine 186 with leucine.
Molecular consequence: missense variant.
Genome position (GRCh38, 1-based): chr9:98,826,767, G>T. VCF-style: chr9-98826767-G-T. GRCh37 (hg19) VCF-style: chr9-101589049-G-T.
Other names: short protein forms R186L.
Identifiers: ClinVar variation 3227955 (VCV003227955.1), dbSNP rs758830613, ClinGen allele CA374217290.

ClinVar aggregate classification (germline): Uncertain significance (1 of 4 stars; one submission).

gnomAD v4.1: 6 of 1,611,436 alleles (0.00037%); highest among the groups gnomAD compares: South Asian, 0.0022%; no homozygotes.

Submission:

Ambry Genetics
Classification: Uncertain significance. Last evaluated: 2023-10-13. Review status: criteria provided, single submitter. Criteria: Ambry Variant Classification Scheme 2023. Collection method: clinical testing. Allele origin: germline.
Comment: The p.R186L variant (also known as c.557G>T), located in coding exon 3 of the GALNT12 gene, results from a G to T substitution at nucleotide position 557. The arginine at codon 186 is replaced by leucine, an amino acid with dissimilar properties. This amino acid position is conserved. In addition, this alteration is predicted to be tolerated by in silico analysis. Since supporting evidence is limited at this time, the clinical significance of this alteration remains unclear.